The following is an entry in ClinVar:

ClinVar aggregate classification (germline): Benign (1 of 4 stars; one submission).

Conditions:
Microcephaly, normal intelligence and immunodeficiency (NBS). Also called: Ataxia telangiectasia variant V1; Immunodeficiency, microcephaly with normal intelligence; IMMUNODEFICIENCY, MICROCEPHALY, AND CHROMOSOMAL INSTABILITY; SEEMANOVA SYNDROME II; Nijmegen breakage syndrome; Microcephaly with normal intelligence immunodeficiency and lymphoreticular malignancies. Identifiers: Orphanet 647, MedGen C0398791, MONDO:0009623, OMIM 251260.

Allele frequency attached by ClinVar (database versions not stated): gnomAD exomes 0.00522; gnomAD 0.02803 and 0.03004; 1000 Genomes Project 0.03155; TOPMed 0.03185; 1000 Genomes Project 30x 0.03264.
gnomAD v4.1: 4,702 of 233,176 alleles (2%); highest among the groups gnomAD compares: African/African-American, 9.6%; 213 homozygotes.

Submission:

Illumina Laboratory Services, Illumina
Classification: Benign for Microcephaly, normal intelligence and immunodeficiency. Last evaluated: 2018-01-13. Review status: criteria provided, single submitter. Criteria: ICSL Variant Classification Criteria 13 December 2019. Collection method: clinical testing. Allele origin: germline.
Comment: This variant was observed in the ICSL laboratory as part of a predisposition screen in an ostensibly healthy population. It had not been previously curated by ICSL or reported in the Human Gene Mutation Database (HGMD: prior to June 1st, 2018), and was therefore a candidate for classification through an automated scoring system. Utilizing variant allele frequency, disease prevalence and penetrance estimates, and inheritance mode, an automated score was calculated to assess if this variant is too frequent to cause the disease. Based on the score and internal cut-off values, a variant classified as benign is not then subjected to further curation. The score for this variant resulted in a classification of benign for this disease.

NM_002485.5(NBN):c.*937T>C

Gene: NBN (nibrin; minus strand). Cytogenetic location: 8q21.3.
Variant type: single nucleotide variant.
Coding change: c.*937T>C on transcript NM_002485.5 (MANE Select); 937 bases downstream of the stop codon, T replaced by C.
Molecular consequence: 3 prime UTR variant.
Genome position (GRCh38, 1-based): chr8:89,934,645, A>G on the plus strand (T>C on the coding strand, the complement: NBN is on the minus strand). VCF-style: chr8-89934645-A-G. GRCh37 (hg19) VCF-style: chr8-90946873-A-G.
Other names: c.*937T>C (NM_001024688.3).
Identifiers: ClinVar variation 363902 (VCV000363902.5), dbSNP rs11987865, ClinGen allele CA10631648.